The following is an entry in ClinVar:

NM_025099.6(CTC1):c.2686G>T (p.Val896Leu)

Gene: CTC1 (CST telomere replication complex component 1; minus strand). Cytogenetic location: 17p13.1.
Variant type: single nucleotide variant.
Coding change: c.2686G>T on transcript NM_025099.6 (MANE Select); coding-DNA position 2686, G replaced by T.
Protein change: p.Val896Leu; replaces valine 896 with leucine.
Molecular consequence: missense variant. On other transcripts: non-coding transcript variant (1).
Genome position (GRCh38, 1-based): chr17:8,230,635, C>A on the plus strand (G>T on the coding strand, the complement: CTC1 is on the minus strand). VCF-style: chr17-8230635-C-A. GRCh37 (hg19) VCF-style: chr17-8133953-C-A.
Other names: short protein forms V896L.
Identifiers: ClinVar variation 665127 (VCV000665127.10), dbSNP rs761241839, ClinGen allele CA8372001.
Genomic context (GRCh38, chr17:8,230,635, plus strand): 5'-AGAGAGACGCCACAAGGGGTTCACATAGTGTCCGTGACAAAATCTCAGCGGAGAAAGACA[C>A]CAAGGAATCTGTGAAACTGGAAGGTCAGGGAAATACACTGAGAATGGAGGCACAAGAAAG-3'
Protein context (NP_079375.3, residues 886-906): LLSDNFTDSL[Val896Leu]SFSAEILSRT

ClinVar aggregate classification (germline): Uncertain significance. Review status: criteria provided, multiple submitters, no conflicts (2 of 4 stars). 3 submissions from 3 submitters: Uncertain significance (3). Last evaluated 2024-11-21.

Conditions:
Cerebroretinal microangiopathy with calcifications and cysts 1 (CRMCC1). Identifiers: Orphanet 313838, MedGen C4552029, MONDO:0024564, OMIM 612199.
Dyskeratosis congenita. Identifiers: Orphanet 1775, MedGen C0265965, MONDO:0015780.

Allele frequency attached by ClinVar (database versions not stated): gnomAD 0.00001; ExAC 0.00002; TOPMed 0.00004.
gnomAD v4.1: 12 of 1,613,918 alleles (0.00074%); highest among the groups gnomAD compares: Admixed American, 0.0083%; no homozygotes.

Submissions (3):

Blueprint Genetics
Classification: Uncertain significance. Last evaluated: 2024-11-21. Review status: criteria provided, single submitter. Criteria: ACMG Guidelines, 2015. Collection method: clinical testing. Allele origin: germline.

Labcorp Genetics (formerly Invitae), Labcorp
Classification: Uncertain significance for Dyskeratosis congenita. Last evaluated: 2022-10-16. Review status: criteria provided, single submitter. Criteria: Invitae Variant Classification Sherloc (09022015). Collection method: clinical testing. Allele origin: germline.
Comment: This sequence change replaces valine, which is neutral and non-polar, with leucine, which is neutral and non-polar, at codon 896 of the CTC1 protein (p.Val896Leu). This variant is present in population databases (rs761241839, gnomAD 0.006%). This missense change has been observed in individual(s) with myelodysplastic syndrome (PMID: 30523342). ClinVar contains an entry for this variant (Variation ID: 665127). Advanced modeling of protein sequence and biophysical properties (such as structural, functional, and spatial information, amino acid conservation, physicochemical variation, residue mobility, and thermodynamic stability) performed at Invitae indicates that this missense variant is expected to disrupt CTC1 protein function. In summary, the available evidence is currently insufficient to determine the role of this variant in disease. Therefore, it has been classified as a Variant of Uncertain Significance.

Fulgent Genetics
Classification: Uncertain significance for Cerebroretinal microangiopathy with calcifications and cysts 1. Last evaluated: 2022-05-20. Review status: criteria provided, single submitter. Criteria: ACMG Guidelines, 2015. Collection method: clinical testing. Allele origin: unknown.

Literature cited by the submitters: PubMed 30523342 (cited by Labcorp Genetics (formerly Invitae), Labcorp).